The following is an entry in ClinVar:

ClinVar aggregate classification (germline): Conflicting classifications of pathogenicity. Review status: criteria provided, conflicting classifications (1 of 4 stars). 2 submissions from 2 submitters: Uncertain significance (1); Likely benign (1). Last evaluated 2025-09-01.

Allele frequency attached by ClinVar (database versions not stated): 1000 Genomes Project 30x 0.00016; 1000 Genomes Project 0.00020; ESP Exome Variant Server 0.00062; TOPMed 0.00066; ExAC 0.00070; gnomAD 0.00072.
gnomAD v4.1: 1,796 of 1,614,032 alleles (0.11%); highest among the groups gnomAD compares: Non-Finnish European, 0.14%; 3 homozygotes.

Submissions (2):

CeGaT Center for Human Genetics Tuebingen
Classification: Likely benign. Last evaluated: 2025-09-01. Review status: criteria provided, single submitter. Criteria: CeGaT Center For Human Genetics Tuebingen Variant Classification Criteria Version 2. Collection method: clinical testing. Allele origin: germline. Affected: yes. Observed: 2 variant alleles.
Comment: PRORP: BS2

Ambry Genetics
Classification: Uncertain significance. Last evaluated: 2021-06-22. Review status: criteria provided, single submitter. Criteria: Ambry Variant Classification Scheme 2023. Collection method: clinical testing. Allele origin: germline.

NM_014672.4(PRORP):c.1155G>C (p.Lys385Asn)

Genes: PRORP (protein only RNase P catalytic subunit; plus strand), PRORP-PSMA6 (PRORP-PSMA6 readthrough; plus strand). Cytogenetic location: 14q13.2.
Variant type: single nucleotide variant.
Coding change: c.1155G>C on transcript NM_014672.4 (MANE Select); coding-DNA position 1155, G replaced by C.
Protein change: p.Lys385Asn; replaces lysine 385 with asparagine.
Molecular consequence: missense variant. On other transcripts: non-coding transcript variant (4).
Genome position (GRCh38, 1-based): chr14:35,127,599, G>C. VCF-style: chr14-35127599-G-C. GRCh37 (hg19) VCF-style: chr14-35596805-G-C.
Other names: c.1107G>C, p.Lys369Asn (NM_001256678.2); c.870G>C, p.Lys290Asn (NM_001256679.2); c.39G>C, p.Lys13Asn (NM_001256680.2, NM_001256681.2); c.1155G>C, p.Lys385Asn (NM_001414503.1); short protein forms K13N, K385N, K369N, K290N.
Identifiers: ClinVar variation 3219060 (VCV003219060.8), dbSNP rs149121781, ClinGen allele CA7154836.